The following is an entry in ClinVar:

NM_005475.3(SH2B3):c.218G>T (p.Arg73Leu)

Gene: SH2B3 (SH2B adaptor protein 3; plus strand). Cytogenetic location: 12q24.12.
Variant type: single nucleotide variant.
Coding change: c.218G>T on transcript NM_005475.3 (MANE Select); coding-DNA position 218, G replaced by T.
Protein change: p.Arg73Leu; replaces arginine 73 with leucine.
Molecular consequence: missense variant.
Genome position (GRCh38, 1-based): chr12:111,418,363, G>T. VCF-style: chr12-111418363-G-T. GRCh37 (hg19) VCF-style: chr12-111856167-G-T.
Other names: short protein forms R73L.
Identifiers: ClinVar variation 3953516 (VCV003953516.1).

ClinVar aggregate classification (germline): Uncertain significance (1 of 4 stars; one submission).

Conditions:
Inborn genetic diseases. Identifiers: MedGen C0950123, MeSH D030342.

Submission:

Ambry Genetics
Classification: Uncertain significance for Inborn genetic diseases. Last evaluated: 2025-05-22. Review status: criteria provided, single submitter. Criteria: Ambry Variant Classification Scheme 2023. Collection method: clinical testing. Allele origin: germline.
Comment: The p.R73L variant (also known as c.218G>T), located in coding exon 1 of the SH2B3 gene, results from a G to T substitution at nucleotide position 218. The arginine at codon 73 is replaced by leucine, an amino acid with dissimilar properties. This amino acid position is conserved. In addition, this alteration is predicted to be tolerated by in silico analysis. Based on the available evidence, the clinical significance of this variant remains unclear.